The following is an entry in ClinVar:

ClinVar aggregate classification (germline): Uncertain significance. Review status: criteria provided, multiple submitters, no conflicts (2 of 4 stars). 2 submissions from 2 submitters: Uncertain significance (2). Last evaluated 2024-12-25.

Allele frequency attached by ClinVar (database versions not stated): ExAC 0.00001; TOPMed 0.00002; ESP Exome Variant Server 0.00008.
gnomAD v4.1: 16 of 1,613,056 alleles (0.00099%); highest among the groups gnomAD compares: Admixed American, 0.0033%; no homozygotes.

Submissions (2):

Ambry Genetics
Classification: Uncertain significance. Last evaluated: 2024-12-25. Review status: criteria provided, single submitter. Criteria: Ambry Variant Classification Scheme 2023. Collection method: clinical testing. Allele origin: germline.

Labcorp Genetics (formerly Invitae), Labcorp
Classification: Uncertain significance. Last evaluated: 2024-11-05. Review status: criteria provided, single submitter. Criteria: Invitae Variant Classification Sherloc (09022015). Collection method: clinical testing. Allele origin: germline.
Comment: This sequence change replaces serine, which is neutral and polar, with arginine, which is basic and polar, at codon 598 of the SUCO protein (p.Ser598Arg). This variant is present in population databases (rs377065957, gnomAD 0.002%). This variant has not been reported in the literature in individuals affected with SUCO-related conditions. ClinVar contains an entry for this variant (Variation ID: 1410980). An algorithm developed to predict the effect of missense changes on protein structure and function (PolyPhen-2) suggests that this variant is likely to be tolerated. Algorithms developed to predict the effect of sequence changes on RNA splicing suggest that this variant may create or strengthen a splice site. In summary, the available evidence is currently insufficient to determine the role of this variant in disease. Therefore, it has been classified as a Variant of Uncertain Significance.

NM_014283.5(SUCO):c.1794C>G (p.Ser598Arg)

Gene: SUCO (SUN domain containing ossification factor; plus strand). Cytogenetic location: 1q24.3.
Variant type: single nucleotide variant.
Coding change: c.1794C>G on transcript NM_014283.5 (MANE Select); coding-DNA position 1794, C replaced by G.
Protein change: p.Ser598Arg; replaces serine 598 with arginine.
Molecular consequence: missense variant.
Genome position (GRCh38, 1-based): chr1:172,588,895, C>G. VCF-style: chr1-172588895-C-G. GRCh37 (hg19) VCF-style: chr1-172558035-C-G.
Other names: c.1794C>G (NM_014283.3); c.1683C>G, p.Ser561Arg (NM_001282750.2); c.105C>G, p.Ser35Arg (NM_001282751.2); c.2247C>G, p.Ser749Arg (NM_016227.4); short protein forms S561R, S749R, S35R, S598R.
Identifiers: ClinVar variation 1410980 (VCV001410980.7), dbSNP rs377065957, ClinGen allele CA1246964.